The following is an entry in ClinVar:

ClinVar aggregate classification (germline): Pathogenic (1 of 4 stars; one submission).

Conditions:
Congenital factor V deficiency. Also called: LABILE FACTOR DEFICIENCY; OWREN PARAHEMOPHILIA; PARAHEMOPHILIA; Hereditary factor V deficiency disease. Identifiers: Orphanet 326, MedGen C0015499, MONDO:0009210, OMIM 227400.

Submission:

Labcorp Genetics (formerly Invitae), Labcorp
Classification: Pathogenic for Congenital factor V deficiency. Last evaluated: 2023-10-09. Review status: criteria provided, single submitter. Criteria: Invitae Variant Classification Sherloc (09022015). Collection method: clinical testing. Allele origin: germline.
Comment: This sequence change creates a premature translational stop signal (p.Pro927Leufs*8) in the F5 gene. It is expected to result in an absent or disrupted protein product. Loss-of-function variants in F5 are known to be pathogenic (PMID: 30924984). This variant is not present in population databases (gnomAD no frequency). This variant has not been reported in the literature in individuals affected with F5-related conditions. For these reasons, this variant has been classified as Pathogenic.

Literature cited by the submitters: PubMed 30924984.

NM_000130.5(F5):c.2780del (p.Pro927fs)

Gene: F5 (coagulation factor V; minus strand). Cytogenetic location: 1q24.2.
Variant type: Deletion.
Coding change: c.2780del on transcript NM_000130.5 (MANE Select); coding-DNA position 2780, one base deleted (C; older notation c.2780delC).
Protein change: p.Pro927fs; shifts the reading frame from proline 927.
Molecular consequence: frameshift variant.
Genome position (GRCh38, 1-based): chr1:169,542,310, G deleted on the plus strand (C on the coding strand, the reverse complement: F5 is on the minus strand); the first of 3 consecutive G bases (chr1:169,542,310-169,542,312); deleting any one gives the same sequence. VCF-style (leftmost placement, unchanged base first): chr1-169542309-AG-A. GRCh37 (hg19) VCF-style: chr1-169511547-AG-A.
Other names: short protein forms P927fs.
Identifiers: ClinVar variation 2979682 (VCV002979682.3), dbSNP rs2526394921, ClinGen allele CA2740090276.